The following is an entry in ClinVar:

NM_001854.4(COL11A1):c.4717T>C (p.Ser1573Pro)

Gene: COL11A1 (collagen type XI alpha 1 chain; minus strand). Cytogenetic location: 1p21.1.
Variant type: single nucleotide variant.
Coding change: c.4717T>C on transcript NM_001854.4 (MANE Select); coding-DNA position 4717, T replaced by C.
Protein change: p.Ser1573Pro; replaces serine 1573 with proline.
Molecular consequence: missense variant. On other transcripts: non-coding transcript variant (1).
Genome position (GRCh38, 1-based): chr1:102,886,948, A>G on the plus strand (T>C on the coding strand, the complement: COL11A1 is on the minus strand). VCF-style: chr1-102886948-A-G. GRCh37 (hg19) VCF-style: chr1-103352504-A-G.
Other names: c.4600T>C, p.Ser1534Pro (NM_001190709.2); c.4753T>C, p.Ser1585Pro (NM_080629.3); c.4369T>C, p.Ser1457Pro (NM_080630.4); short protein forms S1457P, S1534P, S1573P, S1585P.
Identifiers: ClinVar variation 1304994 (VCV001304994.7), dbSNP rs865904271, ClinGen allele CA28151573.

ClinVar aggregate classification (germline): Conflicting classifications of pathogenicity. Review status: criteria provided, conflicting classifications (1 of 4 stars). 3 submissions from 3 submitters: Uncertain significance (2); Benign (1). Last evaluated 2026-06-22.

Conditions:
COL11A1-related disorder. Also called: COL11A1-related condition; COL11A1-related disorders.

Allele frequency attached by ClinVar (database versions not stated): gnomAD exomes below 0.00001; gnomAD 0.00001; TOPMed 0.00002.
gnomAD v4.1: 7 of 1,613,830 alleles (0.00043%); highest among the groups gnomAD compares: African/African-American, 0.0067%; no homozygotes.

Submissions (3):

PreventionGenetics, part of Exact Sciences
Classification: Uncertain significance for COL11A1-related condition. Last evaluated: 2026-06-22. Review status: criteria provided, single submitter. Criteria: ACMG Guidelines, 2015. Collection method: clinical testing. Allele origin: germline.
Comment: The COL11A1 c.4717T>C variant is predicted to result in the amino acid substitution p.Ser1573Pro. To our knowledge, this variant has not been reported in the literature. This variant is reported in 0.011% of alleles in individuals of African descent in gnomAD. At this time, the clinical significance of this variant is uncertain due to the absence of conclusive functional and genetic evidence.

Labcorp Genetics (formerly Invitae), Labcorp
Classification: Benign. Last evaluated: 2022-10-25. Review status: criteria provided, single submitter. Criteria: Invitae Variant Classification Sherloc (09022015). Collection method: clinical testing. Allele origin: germline.

GeneDx
Classification: Uncertain significance. Last evaluated: 2019-04-18. Review status: criteria provided, single submitter. Criteria: GeneDx Variant Classification Process June 2021. Collection method: clinical testing. Allele origin: germline. Affected: yes.
Comment: In silico analysis, which includes protein predictors and evolutionary conservation, supports that this variant does not alter protein structure/function; Has not been previously published as pathogenic or benign to our knowledge